The following is an entry in ClinVar:

ClinVar aggregate classification (germline): Likely pathogenic (1 of 4 stars; one submission).

Conditions:
Spermatogenic failure 46. Identifiers: MedGen C5436799, MONDO:0033673, OMIM 619095.

Submission:

Juno Genomics, Hangzhou Juno Genomics, Inc
Classification: Likely pathogenic for Spermatogenic failure 46. Review status: criteria provided, single submitter. Criteria: ACMG Guidelines, 2015. Collection method: clinical testing. Allele origin: germline.
Comment: Null variant in a gene where loss of function (LOF) is a known mechanism of disease.;Absent from controls (or at extremely low frequency if recessive) in Genome Aggregation Database.

NM_001206927.2(DNAH8):c.2109C>A (p.Tyr703Ter)

Gene: DNAH8 (dynein axonemal heavy chain 8; plus strand). Cytogenetic location: 6p21.2.
Variant type: single nucleotide variant.
Coding change: c.2109C>A on transcript NM_001206927.2 (MANE Select); coding-DNA position 2109, C replaced by A.
Protein change: p.Tyr703Ter; replaces tyrosine 703 with a stop codon.
Molecular consequence: nonsense.
Genome position (GRCh38, 1-based): chr6:38,780,035, C>A. VCF-style: chr6-38780035-C-A. GRCh37 (hg19) VCF-style: chr6-38747811-C-A.
Other names: c.1458C>A, p.Tyr486Ter (NM_001371.4); short protein forms Y703*, Y486*.
Identifiers: ClinVar variation 5007050 (VCV005007050.2).